The following is an entry in ClinVar:

ClinVar aggregate classification (germline): Uncertain significance. Review status: criteria provided, multiple submitters, no conflicts (2 of 4 stars). 2 submissions from 2 submitters: Uncertain significance (2). Last evaluated 2025-02-24.

Conditions:
Epileptic encephalopathy. Identifiers: MedGen C0543888, HP:0200134.

Allele frequency attached by ClinVar (database versions not stated): gnomAD exomes below 0.00001 and 0.00002; TOPMed 0.00002.
gnomAD v4.1: 28 of 1,604,542 alleles (0.0017%); highest among the groups gnomAD compares: Admixed American, 0.0034%; no homozygotes.

Submissions (2):

Labcorp Genetics (formerly Invitae), Labcorp
Classification: Uncertain significance for Epileptic encephalopathy. Last evaluated: 2025-02-24. Review status: criteria provided, single submitter. Criteria: Invitae Variant Classification Sherloc (09022015). Collection method: clinical testing. Allele origin: germline.
Comment: This sequence change replaces alanine, which is neutral and non-polar, with threonine, which is neutral and polar, at codon 810 of the FASN protein (p.Ala810Thr). The frequency data for this variant in the population databases is considered unreliable, as metrics indicate poor data quality at this position in the gnomAD database. This variant has not been reported in the literature in individuals affected with FASN-related conditions. ClinVar contains an entry for this variant (Variation ID: 573570). An algorithm developed to predict the effect of missense changes on protein structure and function (PolyPhen-2) suggests that this variant is likely to be tolerated. In summary, the available evidence is currently insufficient to determine the role of this variant in disease. Therefore, it has been classified as a Variant of Uncertain Significance.

Ambry Genetics
Classification: Uncertain significance. Last evaluated: 2025-02-21. Review status: criteria provided, single submitter. Criteria: Ambry Variant Classification Scheme 2023. Collection method: clinical testing. Allele origin: germline.

NM_004104.5(FASN):c.2428G>A (p.Ala810Thr)

Gene: FASN (fatty acid synthase; minus strand). Cytogenetic location: 17q25.3.
Variant type: single nucleotide variant.
Coding change: c.2428G>A on transcript NM_004104.5 (MANE Select); coding-DNA position 2428, G replaced by A.
Protein change: p.Ala810Thr; replaces alanine 810 with threonine.
Molecular consequence: missense variant.
Genome position (GRCh38, 1-based): chr17:82,088,555, C>T on the plus strand (G>A on the coding strand, the complement: FASN is on the minus strand). VCF-style: chr17-82088555-C-T. GRCh37 (hg19) VCF-style: chr17-80046431-C-T.
Other names: short protein forms A810T.
Identifiers: ClinVar variation 573570 (VCV000573570.10), dbSNP rs963388974, ClinGen allele CA295134222.